The following is an entry in ClinVar:

ClinVar aggregate classification (germline): Conflicting classifications of pathogenicity. Review status: criteria provided, conflicting classifications (1 of 4 stars). 2 submissions from 2 submitters: Pathogenic (1); Uncertain significance (1). Last evaluated 2025-02-23.

Conditions:
Niemann-Pick disease, type C1. Also called: NEUROVISCERAL STORAGE DISEASE WITH VERTICAL SUPRANUCLEAR OPHTHALMOPLEGIA; NIEMANN-PICK DISEASE WITH CHOLESTEROL ESTERIFICATION BLOCK; NIEMANN-PICK DISEASE WITHOUT SPHINGOMYELINASE DEFICIENCY; NIEMANN-PICK DISEASE, CHRONIC NEURONOPATHIC FORM; NIEMANN-PICK DISEASE, VARIANT TYPE C1. Identifiers: Orphanet 646, MedGen C3179455, MONDO:0009757, OMIM 257220.

Allele frequency attached by ClinVar (database versions not stated): gnomAD below 0.00001 and 0.00001.

Submissions (2):

Labcorp Genetics (formerly Invitae), Labcorp
Classification: Pathogenic for Niemann-Pick disease, type C1. Last evaluated: 2025-02-23. Review status: criteria provided, single submitter. Criteria: Invitae Variant Classification Sherloc (09022015). Collection method: clinical testing. Allele origin: germline.
Comment: This sequence change replaces histidine, which is basic and polar, with arginine, which is basic and polar, at codon 512 of the NPC1 protein (p.His512Arg). This variant is not present in population databases (gnomAD no frequency). This missense change has been observed in individual(s) with Niemann-Pick Type C (PMID: 11754101, 32138288). In at least one individual the data is consistent with being in trans (on the opposite chromosome) from a pathogenic variant. ClinVar contains an entry for this variant (Variation ID: 595544). Invitae Evidence Modeling of protein sequence and biophysical properties (such as structural, functional, and spatial information, amino acid conservation, physicochemical variation, residue mobility, and thermodynamic stability) indicates that this missense variant is expected to disrupt NPC1 protein function with a positive predictive value of 95%. For these reasons, this variant has been classified as Pathogenic.

Eurofins Ntd Llc (ga)
Classification: Uncertain significance. Last evaluated: 2018-01-02. Review status: criteria provided, single submitter. Criteria: EGL Classification Definitions 2015. Collection method: clinical testing. Allele origin: germline. Observed: 1 variant allele, 1 homozygote.

Literature cited by the submitters: PubMed 11754101 (cited by Labcorp Genetics (formerly Invitae), Labcorp); PubMed 32138288 (cited by Labcorp Genetics (formerly Invitae), Labcorp).

NM_000271.5(NPC1):c.1535A>G (p.His512Arg)

Gene: NPC1 (NPC intracellular cholesterol transporter 1; minus strand). Cytogenetic location: 18q11.2.
Variant type: single nucleotide variant.
Coding change: c.1535A>G on transcript NM_000271.5 (MANE Select); coding-DNA position 1535, A replaced by G.
Protein change: p.His512Arg; replaces histidine 512 with arginine.
Molecular consequence: missense variant.
Genome position (GRCh38, 1-based): chr18:23,554,776, T>C on the plus strand (A>G on the coding strand, the complement: NPC1 is on the minus strand). VCF-style: chr18-23554776-T-C. GRCh37 (hg19) VCF-style: chr18-21134740-T-C.
Other names: short protein forms H512R.
Identifiers: ClinVar variation 595544 (VCV000595544.9), dbSNP rs1567963883, ClinGen allele CA401775303.